The following is an entry in ClinVar:

ClinVar aggregate classification (germline): Pathogenic (1 of 4 stars; one submission).

Submission:

Labcorp Genetics (formerly Invitae), Labcorp
Classification: Pathogenic. Last evaluated: 2024-03-18. Review status: criteria provided, single submitter. Criteria: Invitae Variant Classification Sherloc (09022015). Collection method: clinical testing. Allele origin: germline.
Comment: This sequence change results in a frameshift in the CYP24A1 gene (p.Thr500Alafs*59). While this is not anticipated to result in nonsense mediated decay, it is expected to disrupt the last 15 amino acid(s) of the CYP24A1 protein and extend the protein by 43 additional amino acid residues. This variant is present in population databases (rs758305291, gnomAD 0.02%). This variant has not been reported in the literature in individuals affected with CYP24A1-related conditions. This variant disrupts a region of the CYP24A1 protein in which other variant(s) (p.Pro503Leu) have been determined to be pathogenic (PMID: 27394135; Invitae). This suggests that this is a clinically significant region of the protein, and that variants that disrupt it are likely to be disease-causing. For these reasons, this variant has been classified as Pathogenic.

Literature cited by the submitters: PubMed 27394135.

NM_000782.5(CYP24A1):c.1497_1504del (p.Thr500fs)

Gene: CYP24A1 (cytochrome P450 family 24 subfamily A member 1; minus strand). Cytogenetic location: 20q13.2.
Variant type: Deletion.
Coding change: c.1497_1504del on transcript NM_000782.5 (MANE Select); coding-DNA positions 1497 to 1504, 8 bases deleted (CACCCTGG; older notation c.1497_1504delCACCCTGG).
Protein change: p.Thr500fs; shifts the reading frame from threonine 500.
Molecular consequence: frameshift variant.
Genome position (GRCh38, 1-based): chr20:54,157,220-54,157,227, CCAGGGTG deleted on the plus strand (CACCCTGG on the coding strand, the reverse complement: CYP24A1 is on the minus strand); deleting any 8 consecutive bases within chr20:54,157,220-54,157,229 gives the same sequence; the c. name uses the placement nearest the transcript's 3' end. VCF-style (leftmost placement, unchanged base first): chr20-54157219-ACCAGGGTG-A. GRCh37 (hg19) VCF-style: chr20-52773758-ACCAGGGTG-A.
Other names: c.1299_1306del, p.Thr434fs (NM_001128915.2, NM_001424342.1, NM_001424343.1); c.1497_1504del, p.Thr500fs (NM_001424340.1, NM_001424341.1); short protein forms T434fs, T500fs.
Identifiers: ClinVar variation 3608266 (VCV003608266.2).
Genomic context (GRCh38, chr20:54,157,219, plus strand): 5'-AGATGCTCACCTGAGGCGTATTATCGCTGGCAAAACGCGATGGGGAGTTCCCGGCTGGGC[ACCAGGGTG>A]CCTGAGTGTAGCATCTCAACAGGCTCATTGTCTGTGGCCTGGATGTCGTATTTGCGGACA-3'